The following is an entry in ClinVar:

ClinVar aggregate classification (germline): Likely benign (1 of 4 stars; one submission).

Allele frequency attached by ClinVar (database versions not stated): 1000 Genomes Project 30x 0.00021; ExAC 0.00056; gnomAD 0.00061; TOPMed 0.00062; ESP Exome Variant Server 0.00085; gnomAD exomes 0.00098.

Submission:

CeGaT Center for Human Genetics Tuebingen
Classification: Likely benign. Last evaluated: 2023-02-01. Review status: criteria provided, single submitter. Criteria: CeGaT Center For Human Genetics Tuebingen Variant Classification Criteria Version 2. Collection method: clinical testing. Allele origin: germline. Affected: yes. Observed: 2 variant alleles.
Comment: MAGEB6: BP4, BP7, BS2

NM_173523.2(MAGEB6):c.939G>C (p.Leu313=)

Gene: MAGEB6 (MAGE family member B6; plus strand). Cytogenetic location: Xp21.3.
Variant type: single nucleotide variant.
Coding change: c.939G>C on transcript NM_173523.2 (MANE Select); coding-DNA position 939, G replaced by C.
Protein change: p.Leu313=; no amino-acid change (leucine 313 retained).
Molecular consequence: synonymous variant.
Genome position (GRCh38, 1-based): chrX:26,194,785, G>C. VCF-style: chrX-26194785-G-C. GRCh37 (hg19) VCF-style: chrX-26212902-G-C.
Identifiers: ClinVar variation 2660209 (VCV002660209.24), dbSNP rs149287704, ClinGen allele CA10374481.